The following is an entry in ClinVar:

ClinVar aggregate classification (germline): Uncertain significance (1 of 4 stars; one submission).

Conditions:
TJP2-related disorder. Also called: TJP2-related condition.

Submission:

PreventionGenetics, part of Exact Sciences
Classification: Uncertain significance for TJP2-related condition. Last evaluated: 2024-12-27. Review status: criteria provided, single submitter. Criteria: ACMG Guidelines, 2015. Collection method: clinical testing. Allele origin: germline.
Comment: The TJP2 c.1252_1254delGAG variant is predicted to result in an in-frame deletion (p.Glu418del). To our knowledge, this variant has not been reported in the literature or in a large population database (gnomAD), indicating this variant is rare. At this time, the clinical significance of this variant is uncertain due to the absence of conclusive functional and genetic evidence.

NM_004817.4(TJP2):c.1249GAG[1] (p.Glu418del)

Gene: TJP2 (tight junction protein 2; plus strand). Cytogenetic location: 9q21.11.
Variant type: Microsatellite.
Coding change: c.1249GAG[1] on transcript NM_004817.4 (MANE Select); one copy of the 3-base unit GAG starting at c.1249; the reference has two copies in a row; one copy, 3 bases deleted.
Protein change: p.Glu418del; deletes glutamic acid 418.
Molecular consequence: inframe deletion.
Genome position (GRCh38, 1-based): chr9:69,227,806-69,227,808, GAG deleted; deleting any 3 consecutive bases within chr9:69,227,803-69,227,808 gives the same sequence; the position shown is the placement nearest the transcript's 3' end. VCF-style (leftmost placement, unchanged base first): chr9-69227802-AGAG-A. GRCh37 (hg19) VCF-style: chr9-71842718-AGAG-A.
Other names: c.1180GAG[1], p.Glu395del (NM_001170414.2, NM_001369870.1, NM_001369871.1); c.1261GAG[1], p.Glu422del (NM_001170415.1, NM_001369874.1, NM_001369875.1); c.1342GAG[1], p.Glu449del (NM_001170416.2); c.1249GAG[1], p.Glu418del (NM_001369872.1, NM_001369873.1, NM_201629.3); short protein forms E395del, E449del, E418del, E422del.
Identifiers: ClinVar variation 5000310 (VCV005000310.1).
Genomic context (GRCh38, chr9:69,227,802, plus strand): 5'-TCTTTTCTTATTTTTGAAACTAGATATTTCAGAAATAGAGTCAAACCGATCATTTTCTCC[AGAG>A]GAGAGACGTCATCAGTATTCTGATTATGATTATCATTCCTCAAGTGAGAAGCTGAAGGAA-3'